The following is an entry in ClinVar:

ClinVar aggregate classification (germline): Conflicting classifications of pathogenicity. Review status: criteria provided, conflicting classifications (1 of 4 stars). 5 submissions from 5 submitters: Uncertain significance (2); Benign (1); Likely benign (2). Last evaluated 2026-07-13.

Conditions:
Intellectual disability, autosomal dominant 16 (CSS4). Also called: COFFIN-SIRIS SYNDROME 4. Identifiers: Orphanet 1465, MedGen C3553249, MONDO:0013821, OMIM 614609.
Hereditary cancer-predisposing syndrome. Also called: Tumor predisposition; Neoplastic Syndromes, Hereditary; Hereditary Cancer Syndrome; Hereditary neoplastic syndrome. Identifiers: Orphanet 140162, MedGen C0027672, MeSH D009386, MONDO:0015356.
Rhabdoid tumor predisposition syndrome 2 (RTPS2). Identifiers: Orphanet 231108, Orphanet 69077, MedGen C2750074, MONDO:0013224, OMIM 613325.

Allele frequency attached by ClinVar (database versions not stated): gnomAD exomes below 0.00001 and 0.00001; TOPMed below 0.00001; ExAC 0.00001; gnomAD 0.00001.
gnomAD v4.1: 4 of 1,612,428 alleles (0.00025%); highest among the groups gnomAD compares: Non-Finnish European, 0.00034%; no homozygotes.

Submissions (5):

Myriad Genetics, Inc.
Classification: Benign for Rhabdoid tumor predisposition syndrome 2. Last evaluated: 2026-07-13. Review status: criteria provided, single submitter. Criteria: Myriad Autosomal Dominant, Autosomal Recessive and X-Linked Classification Criteria (2023). Collection method: clinical testing. Allele origin: unknown.
Comment: This variant is considered benign. This variant is intronic and is not expected to impact mRNA splicing. This variant has been observed at a population frequency that is significantly greater than expected given the associated disease prevalence and penetrance.

Labcorp Genetics (formerly Invitae), Labcorp
Classification: Likely benign for Rhabdoid tumor predisposition syndrome 2. Last evaluated: 2024-12-04. Review status: criteria provided, single submitter. Criteria: Invitae Variant Classification Sherloc (09022015). Collection method: clinical testing. Allele origin: germline.

Ambry Genetics
Classification: Uncertain significance for Hereditary cancer-predisposing syndrome. Last evaluated: 2024-05-02. Review status: criteria provided, single submitter. Criteria: Ambry Variant Classification Scheme 2023. Collection method: clinical testing. Allele origin: germline.
Comment: The c.2505+4G>A intronic variant results from a G to A substitution 4 nucleotides after coding exon 16 in the SMARCA4 gene. This nucleotide position is poorly conserved in available vertebrate species. In silico splice site analysis predicts that this alteration will not have any significant effect on splicing. Loss-of-function variants in SMARCA4 are known to cause rhabdoid tumor predisposition syndrome including small cell carcinoma of the ovary-hypercalcemic type (SCCOHT); however, such associations with neurodevelopmental disorders are exceedingly rare (Kosho T et al. Am J Med Genet C Semin Med Genet. 2014 Sep;166C(3):262-75; Jelinic P et al. Nat Genet. 2014 May;46(5):424-6). Based on the supporting evidence, the association of this alteration with rhabdoid tumor predisposition syndrome is unknown; however, the association of this alteration with Coffin-Siris syndrome is unlikely.

Blueprint Genetics
Classification: Likely benign. Last evaluated: 2022-11-09. Review status: criteria provided, single submitter. Criteria: ACMG Guidelines, 2015. Collection method: clinical testing. Allele origin: germline.

Genome-Nilou Lab
Classification: Uncertain significance for Intellectual disability, autosomal dominant 16. Last evaluated: 2021-07-15. Review status: criteria provided, single submitter. Criteria: ACMG Guidelines, 2015. Collection method: clinical testing. Allele origin: germline. Affected: no.

NM_003072.5(SMARCA4):c.2505+4G>A

Gene: SMARCA4 (SWI/SNF related BAF chromatin remodeling complex subunit ATPase 4; plus strand). Cytogenetic location: 19p13.2.
Variant type: single nucleotide variant.
Coding change: c.2505+4G>A on transcript NM_003072.5 (MANE Select); 4 bases into the intron after coding-DNA position 2505, G replaced by A.
Molecular consequence: intron variant.
Genome position (GRCh38, 1-based): chr19:11,019,027, G>A. VCF-style: chr19-11019027-G-A. GRCh37 (hg19) VCF-style: chr19-11129703-G-A.
Other names: c.2505+4G>A (NM_001128844.3, NM_001128849.3, NM_001128847.4 and 5 more transcripts).
Identifiers: ClinVar variation 484956 (VCV000484956.19), dbSNP rs745383210, ClinGen allele CA9204132.